The following is an entry in ClinVar:

ClinVar aggregate classification (germline): Benign/Likely benign. Review status: criteria provided, multiple submitters, no conflicts (2 of 4 stars). 3 submissions from 3 submitters: Benign (2); Likely benign (1). Last evaluated 2023-11-01.

Allele frequency attached by ClinVar (database versions not stated): 1000 Genomes Project 30x 0.00203; 1000 Genomes Project 0.00240; gnomAD 0.00322; TOPMed 0.00404; gnomAD exomes 0.00445 and 0.00577; ExAC 0.00475; ESP Exome Variant Server 0.00487.
gnomAD v4.1: 8,939 of 1,613,564 alleles (0.55%); highest among the groups gnomAD compares: Non-Finnish European, 0.67%; 33 homozygotes.

Submissions (3):

CeGaT Center for Human Genetics Tuebingen
Classification: Likely benign. Last evaluated: 2023-11-01. Review status: criteria provided, single submitter. Criteria: CeGaT Center For Human Genetics Tuebingen Variant Classification Criteria Version 2. Collection method: clinical testing. Allele origin: germline. Affected: yes. Observed: 3 variant alleles.
Comment: ULK4: BP4, BP7, BS2

Labcorp Genetics (formerly Invitae), Labcorp
Classification: Benign. Last evaluated: 2018-04-23. Review status: criteria provided, single submitter. Criteria: Invitae Variant Classification Sherloc (09022015). Collection method: clinical testing. Allele origin: germline.

Breakthrough Genomics
Classification: Benign. Review status: criteria provided, single submitter. Criteria: ACMG Guidelines, 2015. Collection method: not provided. Allele origin: germline. Inheritance: Unknown mechanism. Affected: yes.

NM_017886.4(ULK4):c.3201G>A (p.Ser1067=)

Gene: ULK4 (unc-51 like kinase 4; minus strand). Cytogenetic location: 3p22.1.
Variant type: single nucleotide variant.
Coding change: c.3201G>A on transcript NM_017886.4 (MANE Select); coding-DNA position 3201, G replaced by A.
Protein change: p.Ser1067=; no amino-acid change (serine 1067 retained).
Molecular consequence: synonymous variant. On other transcripts: non-coding transcript variant (1).
Genome position (GRCh38, 1-based): chr3:41,566,050, C>T on the plus strand (G>A on the coding strand, the complement: ULK4 is on the minus strand). VCF-style: chr3-41566050-C-T. GRCh37 (hg19) VCF-style: chr3-41607541-C-T.
Other names: c.3201G>A, p.Ser1067= (NM_001322500.2); c.2295G>A, p.Ser765= (NM_001322501.2).
Identifiers: ClinVar variation 789277 (VCV000789277.28), dbSNP rs143473972, ClinGen allele CA2331559.
Genomic context (GRCh38, chr3:41,566,050, plus strand): 5'-AACTTGATCAGAGAGTAATTCTATGAGGCATTTACCTTGTTCATAAAGTAGTTCCATATT[C>T]GAATCTTTGCAGGCAACTAGATTGCTGAGTAATGCAATCACACTTTGCATGGTATTACCC-3'
Protein context (NP_060356.2, residues 1057-1077): LLSNLVACKD[Ser1067=]NMELLYEQGL